The following is an entry in ClinVar:

NM_000169.3(GLA):c.36C>T (p.Cys12=)

Genes: RPL36A-HNRNPH2 (RPL36A-HNRNPH2 readthrough; plus strand), GLA (galactosidase alpha; minus strand). Cytogenetic location: Xq22.1.
Variant type: single nucleotide variant.
Coding change: c.36C>T on transcript NM_000169.3 (MANE Select); coding-DNA position 36, C replaced by T.
Protein change: p.Cys12=; no amino-acid change (cysteine 12 retained).
Molecular consequence: synonymous variant. On other transcripts: non-coding transcript variant (3), intron variant (2).
Genome position (GRCh38, 1-based): chrX:101,407,868, G>A on the plus strand (C>T on the coding strand, the complement: GLA is on the minus strand). VCF-style: chrX-101407868-G-A. GRCh37 (hg19) VCF-style: chrX-100662856-G-A.
Other names: c.36C>T, p.Cys12= (NM_001406747.1, NM_001406748.1, NM_001406749.1); c.301-4068G>A (NM_001199973.2); c.178-4068G>A (NM_001199974.2).
Identifiers: ClinVar variation 4822379 (VCV004822379.4).
Genomic context (GRCh38, chrX:101,407,868, plus strand): 5'-CAGTGCTCTAGCCCCAGGGATGTCCCAGGAAACGAGGGCCAGGAAGCGAAGCGCAAGCGC[G>A]CAGCCCAGATGTAGTTCTGGGTTCCTCAGCTGCATTGTCACGGTGACCGGACAGCATAAA-3'
Protein context (NP_000160.1, residues 2-22): QLRNPELHLG[Cys12=]ALALRFLALV

ClinVar aggregate classification (germline): Likely benign (1 of 4 stars; one submission).

Submission:

CeGaT Center for Human Genetics Tuebingen
Classification: Likely benign. Last evaluated: 2026-08-01. Review status: criteria provided, single submitter. Criteria: CeGaT Center For Human Genetics Tuebingen Variant Classification Criteria Version 2. Collection method: clinical testing. Allele origin: germline. Affected: yes. Observed: 2 variant alleles.
Comment: GLA: BP4, BP7